The following is an entry in ClinVar:

ClinVar aggregate classification (germline): Likely benign. Review status: criteria provided, multiple submitters, no conflicts (2 of 4 stars). 2 submissions from 2 submitters: Likely benign (2). Last evaluated 2026-01-27.

Conditions:
Ataxia-telangiectasia syndrome (AT). Also called: Cerebello-oculocutaneous telangiectasia; Immunodeficiency with ataxia telangiectasia; Ataxia-telangiectasia, complementation group D; AT, COMPLEMENTATION GROUP C; Ataxia-telangiectasia, complementation group E; LOUIS-BAR SYNDROME. Identifiers: Orphanet 100, MedGen C0004135, MONDO:0008840, OMIM 208900.

Allele frequency attached by ClinVar (database versions not stated): gnomAD 0.00001; gnomAD exomes 0.00001; TOPMed 0.00001.

Submissions (2):

Labcorp Genetics (formerly Invitae), Labcorp
Classification: Likely benign for Ataxia-telangiectasia syndrome. Last evaluated: 2026-01-27. Review status: criteria provided, single submitter. Criteria: Invitae Variant Classification Sherloc (09022015). Collection method: clinical testing. Allele origin: germline.

Women's Health and Genetics/Laboratory Corporation of America, LabCorp
Classification: Likely benign. Last evaluated: 2025-04-17. Review status: criteria provided, single submitter. Criteria: LabCorp Variant Classification Summary - May 2015. Collection method: clinical testing. Allele origin: germline.
Comment: Variant summary: ATM c.2922-7dupA alters a non-conserved nucleotide located at a position not widely known to affect splicing. Consensus agreement among computation tools predict no significant impact on normal splicing. However, these predictions have yet to be confirmed by functional studies. The frequency data for this variant in gnomAD is considered unreliable, as metrics indicate poor data quality at this position. To our knowledge, no occurrence of c.2922-7dupA in individuals affected with Breast Cancer and no experimental evidence demonstrating its impact on protein function have been reported. ClinVar contains an entry for this variant (Variation ID: 453440). Based on the evidence outlined above, the variant was classified as likely benign.

NM_000051.4(ATM):c.2922-7dup

Gene: ATM (ATM serine/threonine kinase; plus strand). Cytogenetic location: 11q22.3.
Variant type: Duplication.
Coding change: c.2922-7dup on transcript NM_000051.4 (MANE Select); 7 bases into the intron before coding-DNA position 2922, one base duplicated (A; older notation c.2922-7dupA).
Molecular consequence: intron variant.
Genome position (GRCh38, 1-based): chr11:108,271,244, A duplicated. VCF-style (leftmost placement, unchanged base first): chr11-108271243-T-TA. GRCh37 (hg19) VCF-style: chr11-108141970-T-TA.
Other names: c.2922-7dupA (NM_000051.3, NM_000051.4); c.2922-7dup (NM_001351834.2).
Identifiers: ClinVar variation 453440 (VCV000453440.12), dbSNP rs932219783, ClinGen allele CA228409578.
Genomic context (GRCh38, chr11:108,271,243, plus strand): 5'-AGTTATAAAATAACTGATGTGTTCTGTTAAGCTTATAAAGTTGAACTTTTTTTTTTTTTT[T>TA]ACCACAGCAATGTGTGTTCTTTGTATCGTCGTGACCAAGATGTTTGTAAAACTATTTTAA-3'